The following is an entry in ClinVar:

ClinVar aggregate classification (germline): Pathogenic/Likely pathogenic. Review status: criteria provided, multiple submitters, no conflicts (2 of 4 stars). 7 submissions from 7 submitters: Pathogenic (5); Likely pathogenic (1). 1 of the submissions does not count toward it. Last evaluated 2026-01-22.

Conditions:
NAGLU-related disorder. Also called: NAGLU-related condition.
Inborn genetic diseases. Identifiers: MedGen C0950123, MeSH D030342.
Mucopolysaccharidosis, MPS-III-B (MPS3B). Also called: MPS III B; MPS IIIB (Sanfilippo Syndrome Type B); N-ACETYL-ALPHA-D-GLUCOSAMINIDASE DEFICIENCY; NAGLU DEFICIENCY; SANFILIPPO SYNDROME B; Mucopolysaccharidosis type IIIB (Sanfilippo B). Identifiers: Orphanet 79270, MedGen C0086648, MONDO:0009656, OMIM 252920.
Charcot-Marie-Tooth disease axonal type 2V. Also called: CHARCOT-MARIE-TOOTH NEUROPATHY, TYPE 2V; CHARCOT-MARIE-TOOTH DISEASE, AXONAL, AUTOSOMAL DOMINANT, TYPE 2V. Identifiers: Orphanet 447964, MedGen C5569050, MONDO:0014665, OMIM 616491.

Allele frequency attached by ClinVar (database versions not stated): TOPMed below 0.00001; gnomAD exomes 0.00001.

Submissions (7):

Labcorp Genetics (formerly Invitae), Labcorp
Classification: Pathogenic for Charcot-Marie-Tooth disease axonal type 2V; Mucopolysaccharidosis, MPS-III-B. Last evaluated: 2026-01-22. Review status: criteria provided, single submitter. Criteria: Invitae Variant Classification Sherloc (09022015). Collection method: clinical testing. Allele origin: germline.
Comment: This sequence change creates a premature translational stop signal (p.Trp404*) in the NAGLU gene. While this is not anticipated to result in nonsense mediated decay, it is expected to disrupt the last 340 amino acid(s) of the NAGLU protein. This variant is not present in population databases (gnomAD no frequency). This premature translational stop signal has been observed in individuals with mucopolysaccharidosis type IIIB (PMID: 9950362, 10094189, 24314109). ClinVar contains an entry for this variant (Variation ID: 551331). This variant disrupts a region of the NAGLU protein in which other variant(s) (p.Arg626*) have been determined to be pathogenic (PMID: 8650226, 9832037, 10094189). This suggests that this is a clinically significant region of the protein, and that variants that disrupt it are likely to be disease-causing. For these reasons, this variant has been classified as Pathogenic.

Ambry Genetics
Classification: Pathogenic for Inborn genetic diseases. Last evaluated: 2025-10-22. Review status: criteria provided, single submitter. Criteria: Ambry Variant Classification Scheme 2023. Collection method: clinical testing. Allele origin: germline.
Comment: The c.1211G>A (p.W404*) alteration, located in exon 6 (coding exon 6) of the NAGLU gene, consists of a G to A substitution at nucleotide position 1211. This changes the amino acid from a tryptophan (W) to a stop codon at amino acid position 404. This variant is not expected to trigger nonsense-mediated mRNA decay and impacts the last 45.8% of the protein. However, premature stop codons are typically deleterious in nature, the impacted region is critical for protein function, and a significant portion of the protein is affected (Ambry internal data). This variant was not reported in population-based cohorts in the Genome Aggregation Database (gnomAD). This variant has been identified in the homozygous state and/or in conjunction with other NAGLU variant(s) in individual(s) with features consistent with mucopolysaccharidosis type IIIB (Bunge, 1999; Weber, 1999; Delgadillo, 2013; Whitley, 2018). Based on the available evidence, this alteration is classified as pathogenic.

CeGaT Center for Human Genetics Tuebingen
Classification: Pathogenic. Last evaluated: 2025-08-01. Review status: criteria provided, single submitter. Criteria: CeGaT Center For Human Genetics Tuebingen Variant Classification Criteria Version 2. Collection method: clinical testing. Allele origin: germline. Affected: yes. Observed: 1 variant allele.
Comment: NAGLU: PM3:Strong, PVS1:Strong, PM2

Natera, Inc.
Classification: Pathogenic for Mucopolysaccharidosis type IIIB. Last evaluated: 2025-03-10. Review status: criteria provided, single submitter. Criteria: Natera Variant Classification Schema (03/2026). Collection method: clinical testing. Allele origin: germline.
Comment: The c.1211G>A variant in NAGLU is a nonsense variant predicted to introduce a stop codon at amino acid 404. This variant is expected to result in nonsense mediated decay, truncation, or a dysfunctional protein product. This variant is rare in the general population with a frequency below the threshold expected for the associated phenotype(s). This variant has been observed in one or more individuals affected with the associated recessive disease, as either homozygous or compound heterozygous with a second variant (PMID: 29661560, 9950362). Given the available evidence, this variant is classified as Pathogenic.

Blueprint Genetics
Classification: Likely pathogenic for NAGLU-related disorders. Last evaluated: 2024-10-24. Review status: criteria provided, single submitter. Criteria: ACMG Guidelines, 2015. Collection method: clinical testing. Allele origin: germline. Affected: yes. Observed: 5 variant alleles.

Women's Health and Genetics/Laboratory Corporation of America, LabCorp
Classification: Pathogenic for Mucopolysaccharidosis, MPS-III-B. Last evaluated: 2020-05-25. Review status: criteria provided, single submitter. Criteria: LabCorp Variant Classification Summary - May 2015. Collection method: clinical testing. Allele origin: germline.
Comment: Variant summary: NAGLU c.1211G>A (p.Trp404X) results in a premature termination codon, predicted to cause a truncation of the encoded protein or absence of the protein due to nonsense mediated decay, which are commonly known mechanisms for disease. Truncations downstream of this position have been classified as pathogenic by our laboratory. The variant was absent in 251350 control chromosomes. c.1211G>A has been reported in the literature in multiple individuals affected with Mucopolysaccharidosis Type IIIB (Sanfilippo Syndrome B) (example, Bunge_1999, Weber_1999, Delgadillo_2013, Whitley_2018). These data indicate that the variant is very likely to be associated with disease. To our knowledge, no experimental evidence demonstrating an impact on protein function has been reported. Two clinical diagnostic laboratories have submitted clinical-significance assessments for this variant to ClinVar after 2014 without evidence for independent evaluation. All laboratories classified the variant as pathogenic. Based on the evidence outlined above, the variant was classified as pathogenic.

Counsyl
Classification: Pathogenic for Mucopolysaccharidosis, MPS-III-B. Last evaluated: 2017-04-04. Review status: no assertion criteria provided. Collection method: clinical testing. Allele origin: unknown. Not counted in ClinVar's aggregate classification.

Literature cited by the submitters: PubMed 9950362 (cited by 5 submitters); PubMed 10094189 (cited by 4 submitters); PubMed 24314109 (cited by 4 submitters); PubMed 8650226 (cited by Labcorp Genetics (formerly Invitae), Labcorp); PubMed 9832037 (cited by Labcorp Genetics (formerly Invitae), Labcorp); PubMed 29661560 (cited by 3 submitters).

NM_000263.4(NAGLU):c.1211G>A (p.Trp404Ter)

Gene: NAGLU (N-acetyl-alpha-glucosaminidase; plus strand). Cytogenetic location: 17q21.2.
Variant type: single nucleotide variant.
Coding change: c.1211G>A on transcript NM_000263.4 (MANE Select); coding-DNA position 1211, G replaced by A.
Protein change: p.Trp404Ter; replaces tryptophan 404 with a stop codon.
Molecular consequence: nonsense.
Genome position (GRCh38, 1-based): chr17:42,543,217, G>A. VCF-style: chr17-42543217-G-A. GRCh37 (hg19) VCF-style: chr17-40695235-G-A.
Other names: short protein forms W404*.
Identifiers: ClinVar variation 551331 (VCV000551331.21), dbSNP rs904672363, ClinGen allele CA290780217.